The following is an entry in ClinVar:

ClinVar aggregate classification (germline): Uncertain significance (1 of 4 stars; one submission).

Submission:

Ambry Genetics
Classification: Uncertain significance. Last evaluated: 2023-05-29. Review status: criteria provided, single submitter. Criteria: Ambry Variant Classification Scheme 2023. Collection method: clinical testing. Allele origin: germline.
Comment: The p.D402G variant (also known as c.1205A>G), located in coding exon 8 of the POLQ gene, results from an A to G substitution at nucleotide position 1205. The aspartic acid at codon 402 is replaced by glycine, an amino acid with similar properties. This amino acid position is conserved. In addition, the in silico prediction for this alteration is inconclusive. Since supporting evidence is limited at this time, the clinical significance of this alteration remains unclear.

NM_199420.4(POLQ):c.1205A>G (p.Asp402Gly)

Gene: POLQ (DNA polymerase theta; minus strand). Cytogenetic location: 3q13.33.
Variant type: single nucleotide variant.
Coding change: c.1205A>G on transcript NM_199420.4 (MANE Select); coding-DNA position 1205, A replaced by G.
Protein change: p.Asp402Gly; replaces aspartic acid 402 with glycine.
Molecular consequence: missense variant.
Genome position (GRCh38, 1-based): chr3:121,522,053, T>C on the plus strand (A>G on the coding strand, the complement: POLQ is on the minus strand). VCF-style: chr3-121522053-T-C. GRCh37 (hg19) VCF-style: chr3-121240900-T-C.
Other names: short protein forms D402G.
Identifiers: ClinVar variation 2563880 (VCV002563880.2), dbSNP rs1456095867, ClinGen allele CA354121518.
Genomic context (GRCh38, chr3:121,522,053, plus strand): 5'-TATGAAATACCTGCATGATGAAATGCTACTCCCCATGGTACAGTTTTCTGTAATACAGAG[T>C]CCAGTCCTGAAGGCAAACGTCTTAACTGATCCATCACTTCCAGGAGTTCTTTTTGTTCCA-3'
Protein context (NP_955452.3, residues 392-412): DQLRRLPSGL[Asp402Gly]SVLQKTVPWG